The following is an entry in ClinVar:

ClinVar aggregate classification (germline): Uncertain significance (1 of 4 stars; one submission).

Allele frequency attached by ClinVar (database versions not stated): gnomAD 0.00001.

Submission:

Labcorp Genetics (formerly Invitae), Labcorp
Classification: Uncertain significance. Last evaluated: 2024-02-24. Review status: criteria provided, single submitter. Criteria: Invitae Variant Classification Sherloc (09022015). Collection method: clinical testing. Allele origin: germline.
Comment: This sequence change replaces lysine, which is basic and polar, with arginine, which is basic and polar, at codon 457 of the ZNF408 protein (p.Lys457Arg). This variant is not present in population databases (gnomAD no frequency). This variant has not been reported in the literature in individuals affected with ZNF408-related conditions. ClinVar contains an entry for this variant (Variation ID: 1416371). An algorithm developed to predict the effect of missense changes on protein structure and function (PolyPhen-2) suggests that this variant is likely to be disruptive. In summary, the available evidence is currently insufficient to determine the role of this variant in disease. Therefore, it has been classified as a Variant of Uncertain Significance.

NM_024741.3(ZNF408):c.1370A>G (p.Lys457Arg)

Gene: ZNF408 (zinc finger protein 408; plus strand). Cytogenetic location: 11p11.2.
Variant type: single nucleotide variant.
Coding change: c.1370A>G on transcript NM_024741.3 (MANE Select); coding-DNA position 1370, A replaced by G.
Protein change: p.Lys457Arg; replaces lysine 457 with arginine.
Molecular consequence: missense variant.
Genome position (GRCh38, 1-based): chr11:46,705,070, A>G. VCF-style: chr11-46705070-A-G. GRCh37 (hg19) VCF-style: chr11-46726620-A-G.
Other names: c.1346A>G, p.Lys449Arg (NM_001184751.2); short protein forms K449R, K457R.
Identifiers: ClinVar variation 1416371 (VCV001416371.6), dbSNP rs2064741091, ClinGen allele CA380255840.